The following is an entry in ClinVar:

NM_001206927.2(DNAH8):c.12263A>G (p.Asp4088Gly)

Genes: DNAH8 (dynein axonemal heavy chain 8; plus strand), DNAH8-AS1 (DNAH8 antisense RNA 1; minus strand). Cytogenetic location: 6p21.2.
Variant type: single nucleotide variant.
Coding change: c.12263A>G on transcript NM_001206927.2 (MANE Select); coding-DNA position 12263, A replaced by G.
Protein change: p.Asp4088Gly; replaces aspartic acid 4088 with glycine.
Molecular consequence: missense variant.
Genome position (GRCh38, 1-based): chr6:38,951,332, A>G. VCF-style: chr6-38951332-A-G. GRCh37 (hg19) VCF-style: chr6-38919108-A-G.
Other names: c.11612A>G, p.Asp3871Gly (NM_001371.4); short protein forms D3871G, D4088G.
Identifiers: ClinVar variation 2006428 (VCV002006428.4), dbSNP rs2533701448, ClinGen allele CA363996550.

ClinVar aggregate classification (germline): Uncertain significance (1 of 4 stars; one submission).

Conditions:
Primary ciliary dyskinesia. Also called: Ciliary dyskinesia. Identifiers: Orphanet 244, MedGen C0008780, MONDO:0016575, HP:0012265.

Submission:

Labcorp Genetics (formerly Invitae), Labcorp
Classification: Uncertain significance for Primary ciliary dyskinesia. Last evaluated: 2024-02-12. Review status: criteria provided, single submitter. Criteria: Invitae Variant Classification Sherloc (09022015). Collection method: clinical testing. Allele origin: germline.
Comment: This sequence change replaces aspartic acid, which is acidic and polar, with glycine, which is neutral and non-polar, at codon 4088 of the DNAH8 protein (p.Asp4088Gly). This variant is not present in population databases (gnomAD no frequency). This variant has not been reported in the literature in individuals affected with DNAH8-related conditions. ClinVar contains an entry for this variant (Variation ID: 2006428). Advanced modeling of protein sequence and biophysical properties (such as structural, functional, and spatial information, amino acid conservation, physicochemical variation, residue mobility, and thermodynamic stability) has been performed at Invitae for this missense variant, however the output from this modeling did not meet the statistical confidence thresholds required to predict the impact of this variant on DNAH8 protein function. In summary, the available evidence is currently insufficient to determine the role of this variant in disease. Therefore, it has been classified as a Variant of Uncertain Significance.